The following is an entry in ClinVar:

NM_001139.3(ALOX12B):c.1329C>T (p.Ala443=)

Gene: ALOX12B (arachidonate 12-lipoxygenase, 12R type; minus strand). Cytogenetic location: 17p13.1.
Variant type: single nucleotide variant.
Coding change: c.1329C>T on transcript NM_001139.3 (MANE Select); coding-DNA position 1329, C replaced by T.
Protein change: p.Ala443=; no amino-acid change (alanine 443 retained).
Molecular consequence: synonymous variant.
Genome position (GRCh38, 1-based): chr17:8,076,690, G>A on the plus strand (C>T on the coding strand, the complement: ALOX12B is on the minus strand). VCF-style: chr17-8076690-G-A. GRCh37 (hg19) VCF-style: chr17-7980008-G-A.
Other names: c.1329C>T (NM_001139.2).
Identifiers: ClinVar variation 2918994 (VCV002918994.5), dbSNP rs141607656, ClinGen allele CA8367340.

ClinVar aggregate classification (germline): Likely benign. Review status: criteria provided, single submitter (1 of 4 stars). 2 submissions from 2 submitters: Likely benign (1). 1 of the submissions does not count toward it. Last evaluated 2024-03-14.

Conditions:
ALOX12B-related disorder. Also called: ALOX12B-related condition.

Allele frequency attached by ClinVar (database versions not stated): gnomAD exomes 0.00003; gnomAD 0.00008; ExAC 0.00010; TOPMed 0.00010; ESP Exome Variant Server 0.00024.
gnomAD v4.1: 53 of 1,551,248 alleles (0.0034%); highest among the groups gnomAD compares: African/African-American, 0.012%; no homozygotes.

Submissions (2):

Labcorp Genetics (formerly Invitae), Labcorp
Classification: Likely benign. Last evaluated: 2024-03-14. Review status: criteria provided, single submitter. Criteria: Invitae Variant Classification Sherloc (09022015). Collection method: clinical testing. Allele origin: germline.

PreventionGenetics, part of Exact Sciences
Classification: Likely benign for ALOX12B-related condition. Last evaluated: 2020-01-06. Review status: no assertion criteria provided. Collection method: clinical testing. Allele origin: germline. Not counted in ClinVar's aggregate classification.
Comment: This variant is classified as likely benign based on ACMG/AMP sequence variant interpretation guidelines (Richards et al. 2015 PMID: 25741868, with internal and published modifications).